The following is an entry in ClinVar:

NM_014413.4(EIF2AK1):c.649G>T (p.Val217Leu)

Gene: EIF2AK1 (eukaryotic translation initiation factor 2 alpha kinase 1; minus strand). Cytogenetic location: 7p22.1.
Variant type: single nucleotide variant.
Coding change: c.649G>T on transcript NM_014413.4 (MANE Select); coding-DNA position 649, G replaced by T.
Protein change: p.Val217Leu; replaces valine 217 with leucine.
Molecular consequence: missense variant.
Genome position (GRCh38, 1-based): chr7:6,044,643, C>A on the plus strand (G>T on the coding strand, the complement: EIF2AK1 is on the minus strand). VCF-style: chr7-6044643-C-A. GRCh37 (hg19) VCF-style: chr7-6084274-C-A.
Other names: c.649G>T, p.Val217Leu (NM_001134335.2); c.649G>T (NM_014413.3); short protein forms V217L.
Identifiers: ClinVar variation 2052640 (VCV002052640.5), dbSNP rs756978925, ClinGen allele CA4151109.
Genomic context (GRCh38, chr7:6,044,643, plus strand): 5'-CATGTTCTATCCACGCGGTGTGATAGCCAACAATATTGGGGTGCTGAAGACCTGCCAGCA[C>A]CTTCACTTCCCGTAGGACCTAGAAAAGAAATGGAAGTAGATCTGCCTTTTGCTGATAACT-3'
Protein context (NP_055228.2, residues 207-227): VCMKVLREVK[Val217Leu]LAGLQHPNIV

ClinVar aggregate classification (germline): Uncertain significance. Review status: criteria provided, multiple submitters, no conflicts (2 of 4 stars). 2 submissions from 2 submitters: Uncertain significance (2). Last evaluated 2025-07-08.

Allele frequency attached by ClinVar (database versions not stated): ExAC 0.00006; gnomAD exomes 0.00004; TOPMed 0.00004.
gnomAD v4.1: 23 of 1,613,992 alleles (0.0014%); highest among the groups gnomAD compares: Admixed American, 0.038%; no homozygotes.

Submissions (2):

Ambry Genetics
Classification: Uncertain significance. Last evaluated: 2025-07-08. Review status: criteria provided, single submitter. Criteria: Ambry Variant Classification Scheme 2023. Collection method: clinical testing. Allele origin: germline.

Labcorp Genetics (formerly Invitae), Labcorp
Classification: Uncertain significance. Last evaluated: 2022-09-27. Review status: criteria provided, single submitter. Criteria: Invitae Variant Classification Sherloc (09022015). Collection method: clinical testing. Allele origin: germline.
Comment: In summary, the available evidence is currently insufficient to determine the role of this variant in disease. Therefore, it has been classified as a Variant of Uncertain Significance. Algorithms developed to predict the effect of missense changes on protein structure and function (SIFT, PolyPhen-2, Align-GVGD) all suggest that this variant is likely to be tolerated. This variant has not been reported in the literature in individuals affected with EIF2AK1-related conditions. This variant is present in population databases (rs756978925, gnomAD 0.07%), and has an allele count higher than expected for a pathogenic variant. This sequence change replaces valine, which is neutral and non-polar, with leucine, which is neutral and non-polar, at codon 217 of the EIF2AK1 protein (p.Val217Leu).